The following is an entry in ClinVar:

NM_012238.5(SIRT1):c.372CGA[6] (p.Asp127_Glu128insAspAsp)

Gene: SIRT1 (sirtuin 1; plus strand). Cytogenetic location: 10q21.3.
Variant type: Microsatellite.
Coding change: c.372CGA[6] on transcript NM_012238.5 (MANE Select); six copies in a row of the 3-base unit CGA starting at c.372; the reference has four copies in a row; two copies, 6 bases duplicated.
Protein change: p.Asp127_Glu128insAspAsp.
Molecular consequence: inframe insertion.
Genome position (GRCh38, 1-based): chr10:67,885,099-67,885,104, CGACGA duplicated; duplicating any 6 consecutive bases within chr10:67,885,091-67,885,104 gives the same sequence; the position shown is the placement nearest the transcript's 3' end. VCF-style (leftmost placement, unchanged base first): chr10-67885090-A-AGACGAC. GRCh37 (hg19) VCF-style: chr10-69644848-A-AGACGAC.
Identifiers: ClinVar variation 4806664 (VCV004806664.1).

ClinVar aggregate classification (germline): Uncertain significance (1 of 4 stars; one submission).

Submission:

Labcorp Genetics (formerly Invitae), Labcorp
Classification: Uncertain significance. Last evaluated: 2026-01-29. Review status: criteria provided, single submitter. Criteria: Invitae Variant Classification Sherloc (09022015). Collection method: clinical testing. Allele origin: germline.
Comment: This variant, c.378_383dup, results in the insertion of 2 amino acid(s) of the SIRT1 protein (p.Asp126_Asp127dup), but otherwise preserves the integrity of the reading frame. This variant is not present in population databases (gnomAD no frequency). This variant has not been reported in the literature in individuals affected with SIRT1-related conditions. Experimental studies and prediction algorithms are not available or were not evaluated, and the functional significance of this variant is currently unknown. In summary, the available evidence is currently insufficient to determine the role of this variant in disease. Therefore, it has been classified as a Variant of Uncertain Significance.